The following is an entry in ClinVar:

NM_004006.3(DMD):c.6398C>T (p.Pro2133Leu)

Gene: DMD (dystrophin; minus strand). Cytogenetic location: Xp21.1.
Variant type: single nucleotide variant.
Coding change: c.6398C>T on transcript NM_004006.3 (MANE Select); coding-DNA position 6398, C replaced by T.
Protein change: p.Pro2133Leu; replaces proline 2133 with leucine.
Molecular consequence: missense variant.
Genome position (GRCh38, 1-based): chrX:32,216,956, G>A on the plus strand (C>T on the coding strand, the complement: DMD is on the minus strand). VCF-style: chrX-32216956-G-A. GRCh37 (hg19) VCF-style: chrX-32235073-G-A.
Other names: c.6374C>T, p.Pro2125Leu (NM_000109.4); c.6386C>T, p.Pro2129Leu (NM_004009.3); c.6029C>T, p.Pro2010Leu (NM_004010.3); c.2375C>T, p.Pro792Leu (NM_004011.4); c.2366C>T, p.Pro789Leu (NM_004012.4); short protein forms P2133L, P792L, P2010L, P2125L, P2129L, P789L.
Identifiers: ClinVar variation 5035405 (VCV005035405.1).
Genomic context (GRCh38, chrX:32,216,956, plus strand): 5'-AAAACAAATCAAAGACTTACCTTAAGATACCATTTGTATTTAGCATGTTCCCAATTCTCA[G>A]GAATTTGTGTCTTTCTGAGAAACTGTTCAGCTTCTGTTAGCCACTGATTAAATATCTTTA-3'
Protein context (NP_003997.2, residues 2123-2143): AEQFLRKTQI[Pro2133Leu]ENWEHAKYKW

ClinVar aggregate classification (germline): Uncertain significance (1 of 4 stars; one submission).

Conditions:
Cardiovascular phenotype. Identifiers: MedGen CN230736.

Submission:

Ambry Genetics
Classification: Uncertain significance for Cardiovascular phenotype. Last evaluated: 2026-09-13. Review status: criteria provided, single submitter. Criteria: Ambry Variant Classification Scheme 2023. Collection method: clinical testing. Allele origin: germline.
Comment: The p.P2133L variant (also known as c.6398C>T), located in coding exon 44 of the DMD gene, results from a C to T substitution at nucleotide position 6398. The proline at codon 2133 is replaced by leucine, an amino acid with similar properties. This amino acid position is conserved. In addition, this alteration is predicted to be tolerated by in silico analysis. Based on the available evidence, the clinical significance of this variant remains unclear.